The following is an entry in ClinVar:

NM_001354604.2(MITF):c.477A>G (p.Pro159=)

Gene: MITF (melanocyte inducing transcription factor; plus strand). Cytogenetic location: 3p13.
Variant type: single nucleotide variant.
Coding change: c.477A>G on transcript NM_001354604.2 (MANE Select); coding-DNA position 477, A replaced by G.
Protein change: p.Pro159=; no amino-acid change (proline 159 retained).
Molecular consequence: synonymous variant. On other transcripts: intron variant (1).
Genome position (GRCh38, 1-based): chr3:69,937,944, A>G. VCF-style: chr3-69937944-A-G. GRCh37 (hg19) VCF-style: chr3-69987095-A-G.
Other names: c.156A>G, p.Pro52= (NM_000248.4, NM_001184968.2, NM_198158.3); c.321A>G, p.Pro107= (NM_001184967.2, NM_001354608.2); c.474A>G, p.Pro158= (NM_001354605.2, NM_001354606.2, NM_006722.3); c.426A>G, p.Pro142= (NM_001354607.2); c.477A>G, p.Pro159= (NM_198159.3); c.429A>G, p.Pro143= (NM_198177.3); c.93+63A>G (NM_198178.3).
Identifiers: ClinVar variation 3030647 (VCV003030647.3), dbSNP rs2107479266, ClinGen allele CA434433364.

ClinVar aggregate classification (germline): Likely benign. Review status: criteria provided, single submitter (1 of 4 stars). 2 submissions from 2 submitters: Likely benign (1). 1 of the submissions does not count toward it. Last evaluated 2025-10-14.

Conditions:
Hereditary cancer-predisposing syndrome. Also called: Tumor predisposition; Hereditary neoplastic syndrome; Hereditary Cancer Syndrome; Neoplastic Syndromes, Hereditary. Identifiers: Orphanet 140162, MedGen C0027672, MeSH D009386, MONDO:0015356.
MITF-related disorder. Also called: MITF-related condition.

Submissions (2):

Ambry Genetics
Classification: Likely benign for Hereditary cancer-predisposing syndrome. Last evaluated: 2025-10-14. Review status: criteria provided, single submitter. Criteria: Ambry Variant Classification Scheme 2023. Collection method: clinical testing. Allele origin: germline.

PreventionGenetics, part of Exact Sciences
Classification: Likely benign for MITF-related condition. Last evaluated: 2023-12-15. Review status: no assertion criteria provided. Collection method: clinical testing. Allele origin: germline. Not counted in ClinVar's aggregate classification.
Comment: This variant is classified as likely benign based on ACMG/AMP sequence variant interpretation guidelines (Richards et al. 2015 PMID: 25741868, with internal and published modifications).